The following is an entry in ClinVar:

NM_178857.6(RP1L1):c.1128C>G (p.Phe376Leu)

Gene: RP1L1 (RP1 like 1). Cytogenetic location: 8p23.1.
Variant type: single nucleotide variant.
Coding change: c.1128C>G on transcript NM_178857.6 (MANE Select); coding-DNA position 1128, C replaced by G.
Protein change: p.Phe376Leu; replaces phenylalanine 376 with leucine.
Molecular consequence: missense variant.
Genome position (GRCh38, 1-based): chr8:10,612,970, G>C on the plus strand (C>G on the coding strand, the complement: RP1L1 is on the minus strand). VCF-style: chr8-10612970-G-C. GRCh37 (hg19) VCF-style: chr8-10470480-G-C.
Other names: short protein forms F376L.
Identifiers: ClinVar variation 361384 (VCV000361384.37), dbSNP rs372681428, ClinGen allele CA4625303.

ClinVar aggregate classification (germline): Benign/Likely benign. Review status: criteria provided, multiple submitters, no conflicts (2 of 4 stars). 5 submissions from 5 submitters: Benign (2); Likely benign (3). Last evaluated 2024-11-11.

Conditions:
Occult macular dystrophy (OCMD). Also called: OMD; OCCULT MACULAR DYSTROPHY, SUSCEPTIBILITY TO. Identifiers: Orphanet 247834, MedGen C3150833, MONDO:0013316, OMIM 613587, HP:0030636.
RP1L1-related disorder. Also called: RP1L1-related condition.

Allele frequency attached by ClinVar (database versions not stated): ESP Exome Variant Server 0.00034; TOPMed 0.00053; gnomAD 0.00057; 1000 Genomes Project 0.00060; 1000 Genomes Project 30x 0.00062.
gnomAD v4.1: 255 of 1,613,168 alleles (0.016%); highest among the groups gnomAD compares: Middle Eastern, 0.21%; 1 homozygote.

Submissions (5):

PreventionGenetics, part of Exact Sciences
Classification: Likely benign for RP1L1-related condition. Last evaluated: 2024-11-11. Review status: criteria provided, single submitter. Criteria: ACMG Guidelines, 2015. Collection method: clinical testing. Allele origin: germline.
Comment: This variant is classified as likely benign based on ACMG/AMP sequence variant interpretation guidelines (Richards et al. 2015 PMID: 25741868, with internal and published modifications).

Blueprint Genetics
Classification: Likely benign. Last evaluated: 2024-10-02. Review status: criteria provided, single submitter. Criteria: ACMG Guidelines, 2015. Collection method: clinical testing. Allele origin: germline.

CeGaT Center for Human Genetics Tuebingen
Classification: Likely benign. Last evaluated: 2022-12-01. Review status: criteria provided, single submitter. Criteria: CeGaT Center For Human Genetics Tuebingen Variant Classification Criteria Version 2. Collection method: clinical testing. Allele origin: germline. Affected: yes. Observed: 1 variant allele.
Comment: RP1L1: BP4

Illumina Laboratory Services, Illumina
Classification: Benign for Occult macular dystrophy. Last evaluated: 2018-01-13. Review status: criteria provided, single submitter. Criteria: ICSL Variant Classification Criteria 13 December 2019. Collection method: clinical testing. Allele origin: germline.
Comment: This variant was observed in the ICSL laboratory as part of a predisposition screen in an ostensibly healthy population. It had not been previously curated by ICSL or reported in the Human Gene Mutation Database (HGMD: prior to June 1st, 2018), and was therefore a candidate for classification through an automated scoring system. Utilizing variant allele frequency, disease prevalence and penetrance estimates, and inheritance mode, an automated score was calculated to assess if this variant is too frequent to cause the disease. Based on the score and internal cut-off values, a variant classified as benign is not then subjected to further curation. The score for this variant resulted in a classification of benign for this disease.

Breakthrough Genomics
Classification: Benign. Review status: criteria provided, single submitter. Criteria: ACMG Guidelines, 2015. Collection method: not provided. Allele origin: germline. Inheritance: Autosomal recessive inheritance. Affected: yes.